The following is an entry in ClinVar:

ClinVar aggregate classification (germline): Likely pathogenic (1 of 4 stars; one submission).

Submission:

Labcorp Genetics (formerly Invitae), Labcorp
Classification: Likely pathogenic. Last evaluated: 2022-07-05. Review status: criteria provided, single submitter. Criteria: Invitae Variant Classification Sherloc (09022015). Collection method: clinical testing. Allele origin: germline.
Comment: This variant is not present in population databases (gnomAD no frequency). This variant, c.310_312del, results in the deletion of 1 amino acid(s) of the FRMD7 protein (p.Lys104del), but otherwise preserves the integrity of the reading frame. In summary, the currently available evidence indicates that the variant is pathogenic, but additional data are needed to prove that conclusively. Therefore, this variant has been classified as Likely Pathogenic. This variant has been observed in individual(s) with infantile nystagmus (Invitae). In at least one individual the variant was observed to be de novo.

NM_194277.3(FRMD7):c.307AAG[1] (p.Lys104del)

Gene: FRMD7 (FERM domain containing 7; minus strand). Cytogenetic location: Xq26.2.
Variant type: Microsatellite.
Coding change: c.307AAG[1] on transcript NM_194277.3 (MANE Select); one copy of the 3-base unit AAG starting at c.307; the reference has two copies in a row; one copy, 3 bases deleted.
Protein change: p.Lys104del; deletes lysine 104.
Molecular consequence: inframe deletion.
Genome position (GRCh38, 1-based): chrX:132,094,112-132,094,114, CTT deleted on the plus strand (AAG on the coding strand, the reverse complement: FRMD7 is on the minus strand); deleting any 3 consecutive bases within chrX:132,094,112-132,094,117 gives the same sequence; the position shown is the placement nearest the transcript's 3' end. VCF-style (leftmost placement, unchanged base first): chrX-132094111-CCTT-C. GRCh37 (hg19) VCF-style: chrX-131228139-CCTT-C.
Other names: c.262AAG[1], p.Lys89del (NM_001306193.2); short protein forms K104del, K89del.
Identifiers: ClinVar variation 1480905 (VCV001480905.6), dbSNP rs2124241150, ClinGen allele CA2580612486.